The following is an entry in ClinVar:

NM_001365672.2(COBLL1):c.1423A>G (p.Met475Val)

Gene: COBLL1 (cordon-bleu WH2 repeat protein like 1; minus strand). Cytogenetic location: 2q24.3.
Variant type: single nucleotide variant.
Coding change: c.1423A>G on transcript NM_001365672.2 (MANE Select); coding-DNA position 1423, A replaced by G.
Protein change: p.Met475Val; replaces methionine 475 with valine.
Molecular consequence: missense variant.
Genome position (GRCh38, 1-based): chr2:164,700,559, T>C on the plus strand (A>G on the coding strand, the complement: COBLL1 is on the minus strand). VCF-style: chr2-164700559-T-C. GRCh37 (hg19) VCF-style: chr2-165557069-T-C.
Other names: c.1738A>G, p.Met580Val (NM_001278458.2); c.1561A>G, p.Met521Val (NM_001278460.2, NM_001365670.2); c.1423A>G, p.Met475Val (NM_001278461.2, NM_001365673.2); c.1600A>G, p.Met534Val (NM_001365671.1); c.1462A>G, p.Met488Val (NM_001365674.2, NM_001365675.2); c.1540A>G, p.Met514Val (NM_014900.5); short protein forms M475V, M488V, M514V, M521V, M534V, M580V.
Identifiers: ClinVar variation 4083585 (VCV004083585.8).

ClinVar aggregate classification (germline): Likely benign (1 of 4 stars; one submission).

gnomAD v4.1: 4,808 of 1,613,748 alleles (0.3%); highest among the groups gnomAD compares: South Asian, 0.33%; 13 homozygotes.

Submission:

CeGaT Center for Human Genetics Tuebingen
Classification: Likely benign. Last evaluated: 2025-07-01. Review status: criteria provided, single submitter. Criteria: CeGaT Center For Human Genetics Tuebingen Variant Classification Criteria Version 2. Collection method: clinical testing. Allele origin: germline. Affected: yes. Observed: 1 variant allele.
Comment: COBLL1: BP4, BS2